The following is an entry in ClinVar:

ClinVar aggregate classification (germline): Uncertain significance (1 of 4 stars; one submission).

Conditions:
Autosomal recessive ataxia, Beauce type. Also called: SYNE1-Related Autosomal Recessive Cerebellar Ataxia; Spinocerebellar ataxia, autosomal recessive 8; ATAXIA, RECESSIVE, OF BEAUCE; SYNE1 Deficiency. Identifiers: Orphanet 88644, MedGen C1853116, MONDO:0012549, OMIM 610743.
Emery-Dreifuss muscular dystrophy 4, autosomal dominant (EDMD4). Also called: EMERY-DREIFUSS MUSCULAR DYSTROPHY 4 WITH VARIABLE FEATURES. Identifiers: Orphanet 261, MedGen C2751807, MONDO:0013071, OMIM 612998.

gnomAD v4.1: 4 of 1,613,956 alleles (0.00025%); highest among the groups gnomAD compares: Non-Finnish European, 0.00025%; no homozygotes.

Submission:

Labcorp Genetics (formerly Invitae), Labcorp
Classification: Uncertain significance for Emery-Dreifuss muscular dystrophy 4, autosomal dominant; Autosomal recessive ataxia, Beauce type. Last evaluated: 2025-10-06. Review status: criteria provided, single submitter. Criteria: Invitae Variant Classification Sherloc (09022015). Collection method: clinical testing. Allele origin: germline.
Comment: This sequence change replaces histidine, which is basic and polar, with glutamine, which is neutral and polar, at codon 7426 of the SYNE1 protein (p.His7426Gln). This variant is not present in population databases (gnomAD no frequency). This variant has not been reported in the literature in individuals affected with SYNE1-related conditions. ClinVar contains an entry for this variant (Variation ID: 2151859). An algorithm developed to predict the effect of missense changes on protein structure and function (PolyPhen-2) suggests that this variant is likely to be disruptive. In summary, the available evidence is currently insufficient to determine the role of this variant in disease. Therefore, it has been classified as a Variant of Uncertain Significance.

NM_182961.4(SYNE1):c.22491C>G (p.His7497Gln)

Gene: SYNE1 (spectrin repeat containing nuclear envelope protein 1; minus strand). Cytogenetic location: 6q25.2.
Variant type: single nucleotide variant.
Coding change: c.22491C>G on transcript NM_182961.4 (MANE Select); coding-DNA position 22491, C replaced by G.
Protein change: p.His7497Gln; replaces histidine 7497 with glutamine.
Molecular consequence: missense variant.
Genome position (GRCh38, 1-based): chr6:152,213,615, G>C on the plus strand (C>G on the coding strand, the complement: SYNE1 is on the minus strand). VCF-style: chr6-152213615-G-C. GRCh37 (hg19) VCF-style: chr6-152534750-G-C.
Other names: c.22278C>G, p.His7426Gln (NM_033071.5); short protein forms H7426Q, H7497Q.
Identifiers: ClinVar variation 2151859 (VCV002151859.4), dbSNP rs1340457744, ClinGen allele CA366098974.